The following is an entry in ClinVar:

NM_003738.5(PTCH2):c.935+6G>A

Gene: PTCH2 (patched 2; minus strand). Cytogenetic location: 1p34.1.
Variant type: single nucleotide variant.
Coding change: c.935+6G>A on transcript NM_003738.5 (MANE Select); 6 bases into the intron after coding-DNA position 935, G replaced by A.
Molecular consequence: intron variant.
Genome position (GRCh38, 1-based): chr1:44,829,903, C>T on the plus strand (G>A on the coding strand, the complement: PTCH2 is on the minus strand). VCF-style: chr1-44829903-C-T. GRCh37 (hg19) VCF-style: chr1-45295575-C-T.
Other names: c.935+6G>A (NM_001166292.2).
Identifiers: ClinVar variation 1462464 (VCV001462464.6), dbSNP rs370065753, ClinGen allele CA21747857.

ClinVar aggregate classification (germline): Uncertain significance (1 of 4 stars; one submission).

Conditions:
Gorlin syndrome. Also called: Nevoid Basal Cell Carcinoma Syndrome; Basal cell nevus syndrome. Identifiers: Orphanet 377, MedGen C0004779, MONDO:0007187.

Allele frequency attached by ClinVar (database versions not stated): gnomAD exomes below 0.00001; gnomAD 0.00001; TOPMed 0.00001; ESP Exome Variant Server 0.00008.
gnomAD v4.1: 4 of 1,613,962 alleles (0.00025%); highest among the groups gnomAD compares: Non-Finnish European, 0.00025%; no homozygotes.

Submission:

Labcorp Genetics (formerly Invitae), Labcorp
Classification: Uncertain significance for Gorlin syndrome. Last evaluated: 2024-05-23. Review status: criteria provided, single submitter. Criteria: Invitae Variant Classification Sherloc (09022015). Collection method: clinical testing. Allele origin: germline.
Comment: This sequence change falls in intron 7 of the PTCH2 gene. It does not directly change the encoded amino acid sequence of the PTCH2 protein. It affects a nucleotide within the consensus splice site. This variant is present in population databases (rs370065753, gnomAD 0.0009%). This variant has not been reported in the literature in individuals affected with PTCH2-related conditions. ClinVar contains an entry for this variant (Variation ID: 1462464). Variants that disrupt the consensus splice site are a relatively common cause of aberrant splicing (PMID: 17576681, 9536098). Algorithms developed to predict the effect of sequence changes on RNA splicing suggest that this variant is not likely to affect RNA splicing. In summary, the available evidence is currently insufficient to determine the role of this variant in disease. Therefore, it has been classified as a Variant of Uncertain Significance.

Literature cited by the submitters: PubMed 17576681; PubMed 9536098.